The following is an entry in ClinVar:

ClinVar aggregate classification (germline): Pathogenic (1 of 4 stars; one submission).

Conditions:
Early-infantile DEE. Also called: Early infantile epileptic encephalopathy with suppression bursts; Early infantile epileptic encephalopathy; Ohtahara syndrome. Identifiers: Orphanet 1934, MedGen C0393706, MONDO:0800491.

Submission:

Labcorp Genetics (formerly Invitae), Labcorp
Classification: Pathogenic for Early-infantile DEE. Last evaluated: 2021-11-18. Review status: criteria provided, single submitter. Criteria: Invitae Variant Classification Sherloc (09022015). Collection method: clinical testing. Allele origin: germline.
Comment: This sequence change creates a premature translational stop signal (p.Leu434Phefs*16) in the SCN1A gene. It is expected to result in an absent or disrupted protein product. Loss-of-function variants in SCN1A are known to be pathogenic (PMID: 17347258, 18930999). This variant is not present in population databases (gnomAD no frequency). For these reasons, this variant has been classified as Pathogenic. This variant has not been reported in the literature in individuals affected with SCN1A-related conditions.

Literature cited by the submitters: PubMed 17347258; PubMed 18930999.

NM_001165963.4(SCN1A):c.1301dup (p.Leu434fs)

Gene: SCN1A (sodium voltage-gated channel alpha subunit 1; minus strand). Cytogenetic location: 2q24.3.
Variant type: Duplication.
Coding change: c.1301dup on transcript NM_001165963.4 (MANE Select); coding-DNA position 1301, one base duplicated (T; older notation c.1301dupT).
Protein change: p.Leu434fs; shifts the reading frame from leucine 434.
Molecular consequence: frameshift variant. On other transcripts: non-coding transcript variant (1), 5 prime UTR variant (1).
Genome position (GRCh38, 1-based): chr2:166,046,846, A duplicated on the plus strand (T on the coding strand, the reverse complement: SCN1A is on the minus strand); the first of 2 consecutive A bases (chr2:166,046,846-166,046,847); duplicating either gives the same sequence. VCF-style (leftmost placement, unchanged base first): chr2-166046845-C-CA. GRCh37 (hg19) VCF-style: chr2-166903355-C-CA.
Other names: c.1301dup, p.Leu434fs (NM_006920.6, NM_001165964.3, NM_001202435.3 and 10 more transcripts); c.-1125dup (NM_001353961.2); short protein forms L434fs.
Identifiers: ClinVar variation 1451567 (VCV001451567.7), dbSNP rs794726810, ClinGen allele CA2573133545.
Genomic context (GRCh38, chr2:166,046,845, plus strand): 5'-TTGCTTTTTAAGCTGTTCAATCATCTGCTGAAATTCGGCCTCTTTCTGTTCTGCTTCTTC[C>CA]AAGGTGGCCTGATTCTGTTCCTCGTAGGCCATGGCCACCACAGCCAGGATCAAATTTATT-3'